The following is an entry in ClinVar:

ClinVar aggregate classification (germline): Uncertain significance (1 of 4 stars; one submission).

Conditions:
Congenital sideroblastic anemia-B-cell immunodeficiency-periodic fever-developmental delay syndrome. Also called: Sideroblastic anemia with B-cell immunodeficiency, periodic fevers, and developmental delay. Identifiers: Orphanet 369861, MedGen C4015172, MONDO:0014487, OMIM 616084.

Allele frequency attached by ClinVar (database versions not stated): gnomAD exomes below 0.00001; gnomAD 0.00001 and 0.00002; TOPMed 0.00001.
gnomAD v4.1: 5 of 1,613,878 alleles (0.00031%); highest among the groups gnomAD compares: African/African-American, 0.0053%; no homozygotes.

Submission:

Labcorp Genetics (formerly Invitae), Labcorp
Classification: Uncertain significance for Congenital sideroblastic anemia-B-cell immunodeficiency-periodic fever-developmental delay syndrome. Last evaluated: 2022-03-03. Review status: criteria provided, single submitter. Criteria: Invitae Variant Classification Sherloc (09022015). Collection method: clinical testing. Allele origin: germline.
Comment: This sequence change replaces valine, which is neutral and non-polar, with isoleucine, which is neutral and non-polar, at codon 388 of the TRNT1 protein (p.Val388Ile). This variant is present in population databases (no rsID available, gnomAD 0.008%). This variant has not been reported in the literature in individuals affected with TRNT1-related conditions. Algorithms developed to predict the effect of missense changes on protein structure and function (SIFT, PolyPhen-2, Align-GVGD) all suggest that this variant is likely to be tolerated. In summary, the available evidence is currently insufficient to determine the role of this variant in disease. Therefore, it has been classified as a Variant of Uncertain Significance.

NM_182916.3(TRNT1):c.1162G>A (p.Val388Ile)

Gene: TRNT1 (tRNA nucleotidyl transferase 1; plus strand). Cytogenetic location: 3p26.2.
Variant type: single nucleotide variant.
Coding change: c.1162G>A on transcript NM_182916.3 (MANE Select); coding-DNA position 1162, G replaced by A.
Protein change: p.Val388Ile; replaces valine 388 with isoleucine.
Molecular consequence: missense variant. On other transcripts: non-coding transcript variant (8).
Genome position (GRCh38, 1-based): chr3:3,148,011, G>A. VCF-style: chr3-3148011-G-A. GRCh37 (hg19) VCF-style: chr3-3189695-G-A.
Other names: c.1102G>A, p.Val368Ile (NM_001302946.2); c.1162G>A, p.Val388Ile (NM_001367321.1, NM_001367322.1, NM_001367323.1); short protein forms V368I, V388I.
Identifiers: ClinVar variation 1395645 (VCV001395645.3), dbSNP rs1006778318, ClinGen allele CA68735173.
Genomic context (GRCh38, chr3:3,148,011, plus strand): 5'-TACCAAGGAGAGCACTGTCTCCTAAAGGAAATGCAGCAGTGGTCCATTCCTCCATTTCCT[G>A]TAAGTGGCCATGACATCAGAAAAGTGGGCATTTCTTCAGGAAAAGAAATTGGGGCTCTAT-3'
Protein context (NP_886552.3, residues 378-398): MQQWSIPPFP[Val388Ile]SGHDIRKVGI